The following is an entry in ClinVar:

ClinVar aggregate classification (germline): Uncertain significance (1 of 4 stars; one submission).

Conditions:
Multiple acyl-CoA dehydrogenase deficiency (MADD). Also called: ETHYLMALONIC-ADIPICACIDURIA; GA II; Glutaric aciduria, type 2; Glutaric acidemia type II; GA 2; Glutaric Acidemia type 2. Identifiers: Orphanet 26791, MedGen C0268596, MONDO:0009282, OMIM 231680.

Allele frequency attached by ClinVar (database versions not stated): gnomAD 0.00001; TOPMed 0.00002.
gnomAD v4.1: 19 of 1,613,782 alleles (0.0012%); highest among the groups gnomAD compares: Non-Finnish European, 0.0014%; no homozygotes.

Submission:

Labcorp Genetics (formerly Invitae), Labcorp
Classification: Uncertain significance for Multiple acyl-CoA dehydrogenase deficiency. Last evaluated: 2022-07-21. Review status: criteria provided, single submitter. Criteria: Invitae Variant Classification Sherloc (09022015). Collection method: clinical testing. Allele origin: germline.
Comment: This sequence change replaces threonine, which is neutral and polar, with alanine, which is neutral and non-polar, at codon 99 of the ETFA protein (p.Thr99Ala). This variant is not present in population databases (gnomAD no frequency). This variant has not been reported in the literature in individuals affected with ETFA-related conditions. Algorithms developed to predict the effect of missense changes on protein structure and function (SIFT, PolyPhen-2, Align-GVGD) all suggest that this variant is likely to be tolerated. Algorithms developed to predict the effect of sequence changes on RNA splicing suggest that this variant may create or strengthen a splice site. In summary, the available evidence is currently insufficient to determine the role of this variant in disease. Therefore, it has been classified as a Variant of Uncertain Significance.

NM_000126.4(ETFA):c.295A>G (p.Thr99Ala)

Gene: ETFA (electron transfer flavoprotein subunit alpha; minus strand). Cytogenetic location: 15q24.2.
Variant type: single nucleotide variant.
Coding change: c.295A>G on transcript NM_000126.4 (MANE Select); coding-DNA position 295, A replaced by G.
Protein change: p.Thr99Ala; replaces threonine 99 with alanine.
Molecular consequence: missense variant.
Genome position (GRCh38, 1-based): chr15:76,292,487, T>C on the plus strand (A>G on the coding strand, the complement: ETFA is on the minus strand). VCF-style: chr15-76292487-T-C. GRCh37 (hg19) VCF-style: chr15-76584828-T-C.
Other names: c.148A>G, p.Thr50Ala (NM_001127716.2); short protein forms T50A, T99A.
Identifiers: ClinVar variation 2201895 (VCV002201895.1), dbSNP rs1189282229, ClinGen allele CA393517023.